The following is an entry in ClinVar:

ClinVar aggregate classification (germline): Pathogenic/Likely pathogenic. Review status: criteria provided, multiple submitters, no conflicts (2 of 4 stars). 5 submissions from 5 submitters: Pathogenic (3); Likely pathogenic (1). 1 of the submissions does not count toward it. Last evaluated 2023-03-01.

Conditions:
Usher syndrome type 1 (USH1). Also called: RETINITIS PIGMENTOSA AND CONGENITAL DEAFNESS. Identifiers: Orphanet 231169, Orphanet 886, MedGen C1568247, MONDO:0010168, OMIM 276900.
Autosomal recessive nonsyndromic hearing loss 2. Also called: DEAFNESS, AUTOSOMAL RECESSIVE 2; NEUROSENSORY NONSYNDROMIC RECESSIVE DEAFNESS 2. Identifiers: Orphanet 90636, MedGen C1838701, MONDO:0010807, OMIM 600060.
Usher syndrome. Also called: Usher Syndromes; Usher's syndrome. Identifiers: Orphanet 886, MedGen CN469326, MeSH D052245, MONDO:0019501. Disease mechanism: loss of function.

Submissions (5):

Neuberg Centre For Genomic Medicine, NCGM
Classification: Likely pathogenic for Usher syndrome type 1. Last evaluated: 2023-03-01. Review status: criteria provided, single submitter. Criteria: ACMG Guidelines, 2015. Collection method: clinical testing. Allele origin: germline. Inheritance: Autosomal recessive inheritance. Affected: yes.
Comment: The frameshift c.4184dup (p.Tyr1396ValfsTer8) variant) in the MYO7A gene has been reported to be associated with MYO7A related disorder (Wang, Rongrong et al.,2017). The variant is novel (not in any individuals) in gnomAD Exomes and 1000 Genomes. This variant causes a frameshift starting with codon Tyrosine 1396, changes this amino acid to Valine residue, and creates a premature Stop codon at position 8 of the new reading frame, denoted p.Tyr1396ValfsTer8. This variant is predicted to cause loss of normal protein function through protein truncation. Loss of function variants have been previously reported to be disease causing. For these reasons, this variant has been classified as Likely Pathogenic.

Labcorp Genetics (formerly Invitae), Labcorp
Classification: Pathogenic. Last evaluated: 2023-02-20. Review status: criteria provided, single submitter. Criteria: Invitae Variant Classification Sherloc (09022015). Collection method: clinical testing. Allele origin: germline.
Comment: For these reasons, this variant has been classified as Pathogenic. ClinVar contains an entry for this variant (Variation ID: 557498). This premature translational stop signal has been observed in individual(s) with Usher syndrome (PMID: 28281779). This variant is not present in population databases (gnomAD no frequency). This sequence change creates a premature translational stop signal (p.Tyr1396Valfs*8) in the MYO7A gene. It is expected to result in an absent or disrupted protein product. Loss-of-function variants in MYO7A are known to be pathogenic (PMID: 8900236, 25404053).

SN ONGC Dept of Genetics and Molecular biology Vision Research Foundation
Classification: Pathogenic for Usher syndrome. Last evaluated: 2022-12-31. Review status: criteria provided, single submitter. Criteria: ACMG Guidelines, 2015. Collection method: research. Allele origin: unknown. Affected: yes. Observed: 1 variant allele, 1 compound heterozygote.

3billion
Classification: Pathogenic for Usher syndrome type 1. Last evaluated: 2022-05-22. Review status: criteria provided, single submitter. Criteria: ACMG Guidelines, 2015. Collection method: clinical testing. Allele origin: germline. Affected: yes. Observed: 1 homozygote.
Comment: The variant is not observed in the gnomAD v2.1.1 dataset. Frameshift: predicted to result in a loss or disruption of normal protein function through nonsense-mediated decay (NMD) or protein truncation. Multiple pathogenic variants are reported downstream of the variant. The variant has been reported to be associated with MYO7A related disorder (ClinVar ID: VCV000557498). Therefore, this variant is classified as pathogenic according to the recommendation of ACMG/AMP guideline.

Counsyl
Classification: Likely pathogenic for Usher syndrome type 1; Autosomal recessive nonsyndromic hearing loss 2. Last evaluated: 2018-03-27. Review status: no assertion criteria provided. Collection method: clinical testing. Allele origin: unknown. Not counted in ClinVar's aggregate classification.

Literature cited by the submitters: PubMed 28281779 (cited by Labcorp Genetics (formerly Invitae), Labcorp and Counsyl); PubMed 8900236 (cited by Labcorp Genetics (formerly Invitae), Labcorp); PubMed 25404053 (cited by Labcorp Genetics (formerly Invitae), Labcorp).

NM_000260.4(MYO7A):c.4184dup (p.Tyr1396fs)

Gene: MYO7A (myosin VIIA; plus strand). Cytogenetic location: 11q13.5.
Variant type: Duplication.
Coding change: c.4184dup on transcript NM_000260.4 (MANE Select); coding-DNA position 4184, one base duplicated (A; older notation c.4184dupA).
Protein change: p.Tyr1396fs; shifts the reading frame from tyrosine 1396.
Molecular consequence: frameshift variant.
Genome position (GRCh38, 1-based): chr11:77,194,385, A duplicated. VCF-style (leftmost placement, unchanged base first): chr11-77194384-C-CA. GRCh37 (hg19) VCF-style: chr11-76905429-C-CA.
Other names: c.4184dupA (NM_000260.3); c.4184dup, p.Tyr1396fs (NM_001127180.2); c.4151dup, p.Tyr1385fs (NM_001369365.1); short protein forms Y1385fs, Y1396fs.
Identifiers: ClinVar variation 557498 (VCV000557498.30), dbSNP rs1555095933, ClinGen allele CA658822313.
Genomic context (GRCh38, chr11:77,194,384, plus strand): 5'-AATGCATGACCGAGGCCTCCCCCCACCTAGGAGGACGACCTGGCTGAGCTGGCCTCCCAG[C>CA]AGTACTTTGTAGACTATGGCTCTGAGATGATCCTGGAGCGCCTCCTGAACCTCGTGCCCA-3'